The following is an entry in ClinVar:

NM_000428.3(LTBP2):c.3559G>A (p.Ala1187Thr)

Gene: LTBP2 (latent transforming growth factor beta binding protein 2; minus strand). Cytogenetic location: 14q24.3.
Variant type: single nucleotide variant.
Coding change: c.3559G>A on transcript NM_000428.3 (MANE Select); coding-DNA position 3559, G replaced by A.
Protein change: p.Ala1187Thr; replaces alanine 1187 with threonine.
Molecular consequence: missense variant.
Genome position (GRCh38, 1-based): chr14:74,508,697, C>T on the plus strand (G>A on the coding strand, the complement: LTBP2 is on the minus strand). VCF-style: chr14-74508697-C-T. GRCh37 (hg19) VCF-style: chr14-74975400-C-T.
Other names: short protein forms A1187T.
Identifiers: ClinVar variation 2712241 (VCV002712241.1), dbSNP rs752025206, ClinGen allele CA7269119.
Genomic context (GRCh38, chr14:74,508,697, plus strand): 5'-AGCCAGGCGCGCACAGACAGAAGAAAGACCCGTGGCTGTTGAGGCACTCGCCGTGGGGTG[C>T]GCAGTGCTCCTCCCCCATGCACTCATTCACATCTGCAGGGAAAAGATGGGGAGTGGGTGT-3'
Protein context (NP_000419.1, residues 1177-1197): VNECMGEEHC[Ala1187Thr]PHGECLNSHG

ClinVar aggregate classification (germline): Uncertain significance (1 of 4 stars; one submission).

Allele frequency attached by ClinVar (database versions not stated): ExAC 0.00001.
gnomAD v4.1: 13 of 1,613,576 alleles (0.00081%); highest among the groups gnomAD compares: South Asian, 0.0044%; 1 homozygote.

Submission:

Labcorp Genetics (formerly Invitae), Labcorp
Classification: Uncertain significance. Last evaluated: 2022-11-22. Review status: criteria provided, single submitter. Criteria: Invitae Variant Classification Sherloc (09022015). Collection method: clinical testing. Allele origin: germline.
Comment: In summary, the available evidence is currently insufficient to determine the role of this variant in disease. Therefore, it has been classified as a Variant of Uncertain Significance. Algorithms developed to predict the effect of missense changes on protein structure and function (SIFT, PolyPhen-2, Align-GVGD) all suggest that this variant is likely to be disruptive. This variant has not been reported in the literature in individuals affected with LTBP2-related conditions. This variant is present in population databases (rs752025206, gnomAD 0.003%). This sequence change replaces alanine, which is neutral and non-polar, with threonine, which is neutral and polar, at codon 1187 of the LTBP2 protein (p.Ala1187Thr).